The following is an entry in ClinVar:

ClinVar aggregate classification (germline): Uncertain significance (1 of 4 stars; one submission).

Submission:

Labcorp Genetics (formerly Invitae), Labcorp
Classification: Uncertain significance. Last evaluated: 2022-09-23. Review status: criteria provided, single submitter. Criteria: Invitae Variant Classification Sherloc (09022015). Collection method: clinical testing. Allele origin: germline.
Comment: In summary, the available evidence is currently insufficient to determine the role of this variant in disease. Therefore, it has been classified as a Variant of Uncertain Significance. This variant has not been reported in the literature in individuals affected with GUCY2C-related conditions. This sequence change creates a premature translational stop signal (p.Thr286Serfs*3) in the GUCY2C gene. It is expected to result in an absent or disrupted protein product. However, the current clinical and genetic evidence is not sufficient to establish whether loss-of-function variants in GUCY2C cause disease. This variant is not present in population databases (gnomAD no frequency).

NM_004963.4(GUCY2C):c.857_858del (p.Thr286fs)

Genes: GUCY2C (guanylate cyclase 2C; minus strand), GUCY2C-AS1 (GUCY2C antisense RNA 1; plus strand). Cytogenetic location: 12p12.3.
Variant type: Microsatellite.
Coding change: c.857_858del on transcript NM_004963.4 (MANE Select); coding-DNA positions 857 to 858, 2 bases deleted (CA; older notation c.857_858delCA).
Protein change: p.Thr286fs; shifts the reading frame from threonine 286.
Molecular consequence: frameshift variant.
Genome position (GRCh38, 1-based): chr12:14,676,944-14,676,945, TG deleted on the plus strand (CA on the coding strand, the reverse complement: GUCY2C is on the minus strand); deleting any 2 consecutive bases within chr12:14,676,944-14,676,947 gives the same sequence; the c. name uses the placement nearest the transcript's 3' end. VCF-style (leftmost placement, unchanged base first): chr12-14676943-CTG-C. GRCh37 (hg19) VCF-style: chr12-14829877-CTG-C.
Other names: short protein forms T286fs.
Identifiers: ClinVar variation 2029492 (VCV002029492.4), dbSNP rs2497780373, ClinGen allele CA2580615142.